The following is an entry in ClinVar:

NM_053025.4(MYLK):c.3802A>G (p.Thr1268Ala)

Gene: MYLK (myosin light chain kinase; minus strand). Cytogenetic location: 3q21.1.
Variant type: single nucleotide variant.
Coding change: c.3802A>G on transcript NM_053025.4 (MANE Select); coding-DNA position 3802, A replaced by G.
Protein change: p.Thr1268Ala; replaces threonine 1268 with alanine.
Molecular consequence: missense variant.
Genome position (GRCh38, 1-based): chr3:123,666,248, T>C on the plus strand (A>G on the coding strand, the complement: MYLK is on the minus strand). VCF-style: chr3-123666248-T-C. GRCh37 (hg19) VCF-style: chr3-123385095-T-C.
Other names: c.3274A>G, p.Thr1092Ala (NM_001321309.2); c.3595A>G, p.Thr1199Ala (NM_053026.4, NM_053028.4); c.3802A>G, p.Thr1268Ala (NM_053027.4); short protein forms T1092A, T1268A, T1199A.
Identifiers: ClinVar variation 2732872 (VCV002732872.3), dbSNP rs756095156, ClinGen allele CA070205.

ClinVar aggregate classification (germline): Uncertain significance (1 of 4 stars; one submission).

Conditions:
Aortic aneurysm, familial thoracic 7 (AAT7). Also called: AORTIC DISSECTION, FAMILIAL, WITH OR WITHOUT AORTIC ANEURYSM. Identifiers: MedGen C3151077, MONDO:0013418, OMIM 613780.

Allele frequency attached by ClinVar (database versions not stated): gnomAD exomes below 0.00001; TOPMed below 0.00001; ExAC 0.00001; gnomAD 0.00001.
gnomAD v4.1: 7 of 1,614,056 alleles (0.00043%); highest among the groups gnomAD compares: Admixed American, 0.005%; no homozygotes.

Submission:

Labcorp Genetics (formerly Invitae), Labcorp
Classification: Uncertain significance for Aortic aneurysm, familial thoracic 7. Last evaluated: 2022-11-14. Review status: criteria provided, single submitter. Criteria: Invitae Variant Classification Sherloc (09022015). Collection method: clinical testing. Allele origin: germline.
Comment: This sequence change replaces threonine, which is neutral and polar, with alanine, which is neutral and non-polar, at codon 1268 of the MYLK protein (p.Thr1268Ala). This variant is present in population databases (rs756095156, gnomAD 0.006%). This variant has not been reported in the literature in individuals affected with MYLK-related conditions. Advanced modeling of protein sequence and biophysical properties (such as structural, functional, and spatial information, amino acid conservation, physicochemical variation, residue mobility, and thermodynamic stability) performed at Invitae indicates that this missense variant is not expected to disrupt MYLK protein function. In summary, the available evidence is currently insufficient to determine the role of this variant in disease. Therefore, it has been classified as a Variant of Uncertain Significance.